The following is an entry in ClinVar:

NM_000108.5(DLD):c.89_117delinsCCGAGTAAGTACTTA (p.Val30_Pro39delinsAlaGluTer)

Gene: DLD (dihydrolipoamide dehydrogenase; plus strand). Cytogenetic location: 7q31.1.
Variant type: Indel.
Coding change: c.89_117delinsCCGAGTAAGTACTTA on transcript NM_000108.5 (MANE Select); coding-DNA positions 89 to 117, TGCCTCTGAGAACTTACGCAGATCAGCCG replaced by CCGAGTAAGTACTTA.
Protein change: p.Val30_Pro39delinsAlaGluTer.
Molecular consequence: nonsense. On other transcripts: 5 prime UTR variant (1).
Genome position (GRCh38, 1-based): chr7:107,893,249-107,893,277, TGCCTCTGAGAACTTACGCAGATCAGCCG replaced by CCGAGTAAGTACTTA. GRCh37 (hg19): chr7:107,533,694-107,533,722.
Other names: c.-60_-32delinsCCGAGTAAGTACTTA (NM_001289750.1); c.89_117delinsCCGAGTAAGTACTTA, p.Val30_Pro39delinsAlaGluTer (NM_001289751.1, NM_001289752.1).
Identifiers: ClinVar variation 4081624 (VCV004081624.1).

ClinVar aggregate classification (germline): Pathogenic (1 of 4 stars; one submission).

Conditions:
Pyruvate dehydrogenase E3 deficiency (DLDD). Also called: DLD DEFICIENCY; E3 DEFICIENCY; Dihydrolipoamide Dehydrogenase E3 Deficiency; Dihydrolipoamide Dehydrogenase Deficiency; Dihydrolipoamide Dehydrogenase (E3) Deficiency; Lipoamide dehydrogenase deficiency, lactic acidosis due to. Identifiers: Orphanet 2394, Orphanet 765, MedGen C5574660, MONDO:0009529, OMIM 246900.

Submission:

Myriad Genetics, Inc.
Classification: Pathogenic for Pyruvate dehydrogenase E3 deficiency. Last evaluated: 2025-03-25. Review status: criteria provided, single submitter. Criteria: Myriad Autosomal Dominant, Autosomal Recessive and X-Linked Classification Criteria (2023). Collection method: clinical testing. Allele origin: unknown.
Comment: NM_000108.3(DLD):c.89_117del29ins15(V30Afs*3) is a frameshift variant classified as pathogenic in the context of dihydrolipoamide dehydrogenase deficiency. V30Afs*3 has not been observed in cases with relevant disease. Relevant functional assessments of this variant are not available in the literature. V30Afs*3 has not been observed in referenced population frequency databases. In summary, NM_000108.3(DLD):c.89_117del29ins15(V30Afs*3) is a frameshift variant in a gene where loss of function is a known mechanism of disease and is predicted to disrupt protein function. Please note: this variant was assessed in the context of healthy population screening.